The following is an entry in ClinVar:

NM_000540.3(RYR1):c.6663+1G>A

Gene: RYR1 (ryanodine receptor 1; plus strand). Cytogenetic location: 19q13.2.
Variant type: single nucleotide variant.
Coding change: c.6663+1G>A on transcript NM_000540.3 (MANE Select); the canonical splice donor site of the intron after coding-DNA position 6663, G replaced by A.
Molecular consequence: splice donor variant.
Genome position (GRCh38, 1-based): chr19:38,496,330, G>A. VCF-style: chr19-38496330-G-A. GRCh37 (hg19) VCF-style: chr19-38986970-G-A.
Other names: c.6663+1G>A (NM_001042723.2).
Identifiers: ClinVar variation 2914867 (VCV002914867.3), dbSNP rs769661583, ClinGen allele CA068529.

ClinVar aggregate classification (germline): Likely pathogenic (1 of 4 stars; one submission).

Conditions:
RYR1-related disorder. Also called: RYR1-related condition; RYR1-related disorders. Identifiers: MedGen CN239331.

Allele frequency attached by ClinVar (database versions not stated): gnomAD exomes below 0.00001; ExAC 0.00001; TOPMed 0.00001.
gnomAD v4.1: 3 of 1,613,972 alleles (0.00019%); highest among the groups gnomAD compares: Non-Finnish European, 0.000085%; no homozygotes.

Submission:

Labcorp Genetics (formerly Invitae), Labcorp
Classification: Likely pathogenic for RYR1-related disorder. Last evaluated: 2024-01-16. Review status: criteria provided, single submitter. Criteria: Invitae Variant Classification Sherloc (09022015). Collection method: clinical testing. Allele origin: germline.
Comment: This sequence change affects a donor splice site in intron 40 of the RYR1 gene. It is expected to disrupt RNA splicing. Variants that disrupt the donor or acceptor splice site typically lead to a loss of protein function (PMID: 16199547), and loss-of-function variants in RYR1 are known to be pathogenic (PMID: 23919265, 25960145, 28818389, 30611313). This variant is present in population databases (rs769661583, gnomAD 0.01%). This variant has not been reported in the literature in individuals affected with RYR1-related conditions. Algorithms developed to predict the effect of sequence changes on RNA splicing suggest that this variant may disrupt the consensus splice site. In summary, the currently available evidence indicates that the variant is pathogenic, but additional data are needed to prove that conclusively. Therefore, this variant has been classified as Likely Pathogenic.

Literature cited by the submitters: PubMed 16199547; PubMed 23919265; PubMed 25960145; PubMed 28818389; PubMed 30611313.